The following is an entry in ClinVar:

ClinVar aggregate classification (germline): Uncertain significance. Review status: criteria provided, multiple submitters, no conflicts (2 of 4 stars). 2 submissions from 2 submitters: Uncertain significance (2). Last evaluated 2024-09-23.

Conditions:
Inborn genetic diseases. Identifiers: MedGen C0950123, MeSH D030342.

Allele frequency attached by ClinVar (database versions not stated): TOPMed below 0.00001; gnomAD exomes 0.00006.

Submissions (2):

GeneDx
Classification: Uncertain significance. Last evaluated: 2024-09-23. Review status: criteria provided, single submitter. Criteria: GeneDx Variant Classification Process June 2021. Collection method: clinical testing. Allele origin: germline. Affected: yes.
Comment: Not observed at significant frequency in large population cohorts (gnomAD); In silico analysis indicates that this missense variant does not alter protein structure/function; Has not been previously published as pathogenic or benign to our knowledge

Ambry Genetics
Classification: Uncertain significance for Inborn genetic diseases. Last evaluated: 2023-05-24. Review status: criteria provided, single submitter. Criteria: Ambry Variant Classification Scheme 2023. Collection method: clinical testing. Allele origin: germline.

NM_032551.5(KISS1R):c.157A>T (p.Met53Leu)

Gene: KISS1R (KISS1 receptor; plus strand). Cytogenetic location: 19p13.3.
Variant type: single nucleotide variant.
Coding change: c.157A>T on transcript NM_032551.5 (MANE Select); coding-DNA position 157, A replaced by T.
Protein change: p.Met53Leu; replaces methionine 53 with leucine.
Molecular consequence: missense variant.
Genome position (GRCh38, 1-based): chr19:917,659, A>T. VCF-style: chr19-917659-A-T. GRCh37 (hg19) VCF-style: chr19-917659-A-T.
Other names: short protein forms M53L.
Identifiers: ClinVar variation 2551569 (VCV002551569.3), dbSNP rs1306610242, ClinGen allele CA402913167.